The following is an entry in ClinVar:

ClinVar aggregate classification (germline): Conflicting classifications of pathogenicity. Review status: criteria provided, conflicting classifications (1 of 4 stars). 6 submissions from 6 submitters: Pathogenic (1); Likely pathogenic (2); Uncertain significance (1); Likely benign (2). Last evaluated 2025-01-02.

Conditions:
Wilson disease (WND). Also called: Wilson's disease. Identifiers: Orphanet 905, MedGen C0019202, MONDO:0010200, OMIM 277900. Disease mechanism: loss of function.
Inborn genetic diseases. Identifiers: MedGen C0950123, MeSH D030342.

Allele frequency attached by ClinVar (database versions not stated): TOPMed 0.00001.
gnomAD v4.1: 2 of 1,614,010 alleles (0.00012%); highest among the groups gnomAD compares: East Asian, 0.0045%; no homozygotes.

Submissions (6):

Natera, Inc.
Classification: Pathogenic for Wilson disease. Last evaluated: 2025-01-02. Review status: criteria provided, single submitter. Criteria: Natera Variant Classification Schema (03/2026). Collection method: clinical testing. Allele origin: germline.
Comment: The c.4014T>A variant in ATP7B is a synonymous variant that does not alter the encoded amino acid at position 1338 (p.I1338=). This variant is rare in the general population with a frequency below the threshold expected for the associated phenotype(s). This variant has been observed in one or more individuals affected with the associated recessive disease, as either homozygous or compound heterozygous with a second variant (PMID: 39178787, 29637721, 36343861). Functional studies show that this variant may disrupt protein function (PMID: 29637721, 36343861). Given the available evidence, this variant is classified as Pathogenic.

Labcorp Genetics (formerly Invitae), Labcorp
Classification: Likely benign for Wilson disease. Last evaluated: 2024-08-20. Review status: criteria provided, single submitter. Criteria: Invitae Variant Classification Sherloc (09022015). Collection method: clinical testing. Allele origin: germline.

Ambry Genetics
Classification: Likely benign for Inborn genetic diseases. Last evaluated: 2024-04-23. Review status: criteria provided, single submitter. Criteria: Ambry Variant Classification Scheme 2023. Collection method: clinical testing. Allele origin: germline.

Baylor Genetics
Classification: Likely pathogenic for Wilson disease. Last evaluated: 2024-03-30. Review status: criteria provided, single submitter. Criteria: ACMG Guidelines, 2015. Collection method: clinical testing. Allele origin: unknown.

Department Of Obstetrics And Gynecology, Genetic And Prenatal Diagnosis Center
Classification: Likely pathogenic for Wilson disease. Review status: criteria provided, single submitter. Criteria: ACMG Guidelines, 2015. Collection method: curation. Allele origin: germline. Affected: yes.

Juno Genomics, Hangzhou Juno Genomics, Inc
Classification: Uncertain significance for Wilson disease. Review status: criteria provided, single submitter. Criteria: ACMG Guidelines, 2015. Collection method: clinical testing. Allele origin: germline.
Comment: Absent from controls (or at extremely low frequency if recessive) in Genome Aggregation Database.;Null variant in a gene where loss of function (LOF) is a known mechanism of disease.

Literature cited by the submitters: PubMed 39178787 (cited by Natera, Inc.); PubMed 29637721 (cited by Natera, Inc. and Department Of Obstetrics And Gynecology, Genetic And Prenatal Diagnosis Center); PubMed 36343861 (cited by Natera, Inc.).

NM_000053.4(ATP7B):c.4014T>A (p.Ile1338=)

Gene: ATP7B (ATPase copper transporting beta; minus strand). Cytogenetic location: 13q14.3.
Variant type: single nucleotide variant.
Coding change: c.4014T>A on transcript NM_000053.4 (MANE Select); coding-DNA position 4014, T replaced by A.
Protein change: p.Ile1338=; no amino-acid change (isoleucine 1338 retained).
Molecular consequence: synonymous variant.
Genome position (GRCh38, 1-based): chr13:51,937,283, A>T on the plus strand (T>A on the coding strand, the complement: ATP7B is on the minus strand). VCF-style: chr13-51937283-A-T. GRCh37 (hg19) VCF-style: chr13-52511419-A-T.
Other names: c.3393T>A, p.Ile1131= (NM_001005918.3); c.3681T>A, p.Ile1227= (NM_001243182.2); c.3780T>A, p.Ile1260= (NM_001330578.2, NM_001406527.1, NM_001406528.1); c.3762T>A, p.Ile1254= (NM_001330579.2, NM_001406531.1, NM_001406532.1); c.4014T>A, p.Ile1338= (NM_001406511.1, NM_001406512.1); c.4008T>A, p.Ile1336= (NM_001406513.1); c.3981T>A, p.Ile1327= (NM_001406514.1); c.3684T>A, p.Ile1228= (NM_001406536.1, NM_001406535.1); and 22 more.
Identifiers: ClinVar variation 2576540 (VCV002576540.10), dbSNP rs762097856, ClinGen allele CA483893454.